The following is an entry in ClinVar:

NM_000094.4(COL7A1):c.5425-6_5425-5del

Gene: COL7A1 (collagen type VII alpha 1 chain; minus strand). Cytogenetic location: 3p21.31.
Variant type: Deletion.
Coding change: c.5425-6_5425-5del on transcript NM_000094.4 (MANE Select); 6 bases into the intron before coding-DNA position 5425 through 5 bases into the intron before coding-DNA position 5425, 2 bases deleted (TT; older notation c.5425-6_5425-5delTT).
Molecular consequence: intron variant.
Genome position (GRCh38, 1-based): chr3:48,578,520-48,578,521, AA deleted on the plus strand (TT on the coding strand, the reverse complement: COL7A1 is on the minus strand); deleting any 2 consecutive bases within chr3:48,578,520-48,578,524 gives the same sequence; the c. name uses the placement nearest the transcript's 3' end. VCF-style (leftmost placement, unchanged base first): chr3-48578519-GAA-G. GRCh37 (hg19) VCF-style: chr3-48615952-GAA-G.
Other names: c.5425-6_5425-5delTT (NM_000094.4).
Identifiers: ClinVar variation 765320 (VCV000765320.34), dbSNP rs762085901, ClinGen allele CA2379497.

ClinVar aggregate classification (germline): Likely benign. Review status: criteria provided, multiple submitters, no conflicts (2 of 4 stars). 3 submissions from 3 submitters: Likely benign (2). 1 of the submissions does not count toward it. Last evaluated 2026-06-01.

Conditions:
Epidermolysis bullosa dystrophica inversa, autosomal recessive. Identifiers: MedGen C2673612.

Submissions (3):

CeGaT Center for Human Genetics Tuebingen
Classification: Likely benign. Last evaluated: 2026-06-01. Review status: criteria provided, single submitter. Criteria: CeGaT Center For Human Genetics Tuebingen Variant Classification Criteria Version 2. Collection method: clinical testing. Allele origin: germline. Affected: yes. Observed: 2 variant alleles.
Comment: COL7A1: BS1

Labcorp Genetics (formerly Invitae), Labcorp
Classification: Likely benign. Last evaluated: 2026-01-14. Review status: criteria provided, single submitter. Criteria: Invitae Variant Classification Sherloc (09022015). Collection method: clinical testing. Allele origin: germline.

Natera, Inc.
Classification: Uncertain significance for Autosomal recessive epidermolysis bullosa dystrophica inversa. Last evaluated: 2020-09-22. Review status: no assertion criteria provided. Collection method: clinical testing. Allele origin: germline. Not counted in ClinVar's aggregate classification.